The following is an entry in ClinVar:

NM_001164508.2(NEB):c.22591-1G>C

Genes: NEB (nebulin; minus strand), RIF1 (replication timing regulatory factor 1; plus strand). Cytogenetic location: 2q23.3.
Variant type: single nucleotide variant.
Coding change: c.22591-1G>C on transcript NM_001164508.2 (MANE Select); the canonical splice acceptor site of the intron before coding-DNA position 22591, G replaced by C.
Molecular consequence: splice acceptor variant.
Genome position (GRCh38, 1-based): chr2:151,519,070, C>G on the plus strand (G>C on the coding strand, the complement: NEB is on the minus strand). VCF-style: chr2-151519070-C-G. GRCh37 (hg19) VCF-style: chr2-152375584-C-G.
Other names: c.17488-1G>C (NM_004543.5); c.22591-1G>C (NM_001164507.2); c.22696-1G>C (NM_001271208.2).
Identifiers: ClinVar variation 550749 (VCV000550749.15), dbSNP rs757157808, ClinGen allele CA1906588.

ClinVar aggregate classification (germline): Pathogenic/Likely pathogenic. Review status: criteria provided, multiple submitters, no conflicts (2 of 4 stars). 4 submissions from 4 submitters: Pathogenic (1); Likely pathogenic (2). 1 of the submissions does not count toward it. Last evaluated 2024-10-31.

Conditions:
Nemaline myopathy 2 (NEM2). Also called: Nemaline myopathy 2, autosomal recessive. Identifiers: MedGen C1850569, MONDO:0009725, OMIM 256030.
Arthrogryposis multiplex congenita 6. Identifiers: MedGen C5543431, MONDO:0030281, OMIM 619334.

Allele frequency attached by ClinVar (database versions not stated): gnomAD exomes below 0.00001 and 0.00001; ExAC 0.00002.
gnomAD v4.1: 6 of 1,593,750 alleles (0.00038%); highest among the groups gnomAD compares: South Asian, 0.0066%; no homozygotes.

Submissions (4):

Natera, Inc.
Classification: Likely pathogenic for Nemaline myopathy type 2. Last evaluated: 2024-10-31. Review status: criteria provided, single submitter. Criteria: Natera Variant Classification Schema (03/2026). Collection method: clinical testing. Allele origin: germline.
Comment: The c.22696-1G>C variant in NEB is a canonical splice acceptor site variant predicted to affect pre-mRNA splicing, which may result in an abnormal transcript and altered protein product. This variant may result in a truncated or dysfunctional protein product. This variant is rare in the general population with a frequency below the threshold expected for the associated phenotype(s). This variant is located in a functionally critical region of the protein. Given the available evidence, this variant is classified as Likely Pathogenic.

Baylor Genetics
Classification: Likely pathogenic for Arthrogryposis multiplex congenita 6. Last evaluated: 2024-02-19. Review status: criteria provided, single submitter. Criteria: ACMG Guidelines, 2015. Collection method: clinical testing. Allele origin: unknown.

Labcorp Genetics (formerly Invitae), Labcorp
Classification: Pathogenic for Nemaline myopathy 2. Last evaluated: 2023-09-29. Review status: criteria provided, single submitter. Criteria: Invitae Variant Classification Sherloc (09022015). Collection method: clinical testing. Allele origin: germline.
Comment: ClinVar contains an entry for this variant (Variation ID: 550749). For these reasons, this variant has been classified as Pathogenic. Algorithms developed to predict the effect of sequence changes on RNA splicing suggest that this variant may disrupt the consensus splice site. Disruption of this splice site has been observed in individual(s) with clinical features of nemaline myopathy (Invitae). In at least one individual the data is consistent with being in trans (on the opposite chromosome) from a pathogenic variant. This variant is present in population databases (rs757157808, gnomAD 0.007%). This sequence change affects an acceptor splice site in intron 155 of the NEB gene. It is expected to disrupt RNA splicing. Variants that disrupt the donor or acceptor splice site typically lead to a loss of protein function (PMID: 16199547), and loss-of-function variants in NEB are known to be pathogenic (PMID: 25205138).

Counsyl
Classification: Likely pathogenic for Nemaline myopathy 2. Last evaluated: 2017-02-10. Review status: no assertion criteria provided. Collection method: clinical testing. Allele origin: unknown. Not counted in ClinVar's aggregate classification.

Literature cited by the submitters: PubMed 16199547 (cited by Labcorp Genetics (formerly Invitae), Labcorp); PubMed 25205138 (cited by Labcorp Genetics (formerly Invitae), Labcorp).